The following is an entry in ClinVar:

ClinVar aggregate classification (germline): Uncertain significance (1 of 4 stars; one submission).

Allele frequency attached by ClinVar (database versions not stated): gnomAD 0.00001.
gnomAD v4.1: 1 of 1,613,894 alleles (0.000062%); highest among the groups gnomAD compares: Non-Finnish European, 0.000085%; no homozygotes.

Submission:

Labcorp Genetics (formerly Invitae), Labcorp
Classification: Uncertain significance. Last evaluated: 2022-07-18. Review status: criteria provided, single submitter. Criteria: Invitae Variant Classification Sherloc (09022015). Collection method: clinical testing. Allele origin: germline.
Comment: In summary, the available evidence is currently insufficient to determine the role of this variant in disease. Therefore, it has been classified as a Variant of Uncertain Significance. Algorithms developed to predict the effect of missense changes on protein structure and function output the following: SIFT: "Tolerated"; PolyPhen-2: "Benign"; Align-GVGD: "Class C0". The arginine amino acid residue is found in multiple mammalian species, which suggests that this missense change does not adversely affect protein function. This variant has not been reported in the literature in individuals affected with MYH9-related conditions. This variant is not present in population databases (gnomAD no frequency). This sequence change replaces lysine, which is basic and polar, with arginine, which is basic and polar, at codon 1246 of the MYH9 protein (p.Lys1246Arg).

NM_002473.6(MYH9):c.3737A>G (p.Lys1246Arg)

Gene: MYH9 (myosin heavy chain 9; minus strand). Cytogenetic location: 22q12.3.
Variant type: single nucleotide variant.
Coding change: c.3737A>G on transcript NM_002473.6 (MANE Select); coding-DNA position 3737, A replaced by G.
Protein change: p.Lys1246Arg; replaces lysine 1246 with arginine.
Molecular consequence: missense variant.
Genome position (GRCh38, 1-based): chr22:36,294,192, T>C on the plus strand (A>G on the coding strand, the complement: MYH9 is on the minus strand). VCF-style: chr22-36294192-T-C. GRCh37 (hg19) VCF-style: chr22-36690238-T-C.
Other names: short protein forms K1246R.
Identifiers: ClinVar variation 2087127 (VCV002087127.4), dbSNP rs2016753179, ClinGen allele CA411386457.
Genomic context (GRCh38, chr22:36,294,192, plus strand): 5'-CGCTCTCCCTCGTTGAACTTGACCTGCAGCTCCTGCAGCTGCGCCTCCACTTTCTTGCGC[T>C]TGTGCTCCGAGTCCCCTTTGCCCTGCAGCAGCACCTTCACCTCGTTGGCCAGCTCCCCCC-3'
Protein context (NP_002464.1, residues 1236-1256): LLQGKGDSEH[Lys1246Arg]RKKVEAQLQE